The following is an entry in ClinVar:

ClinVar aggregate classification (germline): Uncertain significance (1 of 4 stars; one submission).

Conditions:
Desmin-related myofibrillar myopathy (MFM1). Also called: Desminopathy; Desmin related myopathy (former name); DESMIN-RELATED MYOPATHY WITH ARRHYTHMOGENIC RIGHT VENTRICULAR CARDIOMYOPATHY; Myofibrillar myopathy 1; MYOFIBRILLAR MYOPATHY WITH ARRHYTHMOGENIC RIGHT VENTRICULAR CARDIOMYOPATHY; Desmin storage myopathy (former name). Identifiers: Orphanet 363543, Orphanet 98909, MedGen C1832370, MONDO:0011076, OMIM 601419.

Allele frequency attached by ClinVar (database versions not stated): TOPMed 0.00001.

Submission:

Labcorp Genetics (formerly Invitae), Labcorp
Classification: Uncertain significance for Desmin-related myofibrillar myopathy. Last evaluated: 2022-06-04. Review status: criteria provided, single submitter. Criteria: Invitae Variant Classification Sherloc (09022015). Collection method: clinical testing. Allele origin: germline.
Comment: In summary, the available evidence is currently insufficient to determine the role of this variant in disease. Therefore, it has been classified as a Variant of Uncertain Significance. Algorithms developed to predict the effect of missense changes on protein structure and function are either unavailable or do not agree on the potential impact of this missense change (SIFT: "Tolerated"; PolyPhen-2: "Probably Damaging"; Align-GVGD: "Class C0"). ClinVar contains an entry for this variant (Variation ID: 1001225). This variant has not been reported in the literature in individuals affected with DES-related conditions. This variant is not present in population databases (gnomAD no frequency). This sequence change replaces glutamine, which is neutral and polar, with histidine, which is basic and polar, at codon 280 of the DES protein (p.Gln280His).

NM_001927.4(DES):c.840G>C (p.Gln280His)

Gene: DES (desmin; plus strand). Cytogenetic location: 2q35.
Variant type: single nucleotide variant.
Coding change: c.840G>C on transcript NM_001927.4 (MANE Select); coding-DNA position 840, G replaced by C.
Protein change: p.Gln280His; replaces glutamine 280 with histidine.
Molecular consequence: missense variant. On other transcripts: intron variant (1).
Genome position (GRCh38, 1-based): chr2:219,420,599, G>C. VCF-style: chr2-219420599-G-C. GRCh37 (hg19) VCF-style: chr2-220285321-G-C.
Other names: c.837G>C, p.Gln279His (NM_001382708.1); c.840G>C, p.Gln280His (NM_001382710.1, NM_001382711.1, NM_001382712.1); c.570G>C, p.Gln190His (NM_001382713.1); c.735+253G>C (NM_001382709.1); short protein forms Q190H, Q279H, Q280H.
Identifiers: ClinVar variation 1001225 (VCV001001225.8), dbSNP rs1954420895, ClinGen allele CA350691431.